The following is an entry in ClinVar:

NM_053025.4(MYLK):c.2137C>T (p.Gln713Ter)

Gene: MYLK (myosin light chain kinase; minus strand). Cytogenetic location: 3q21.1.
Variant type: single nucleotide variant.
Coding change: c.2137C>T on transcript NM_053025.4 (MANE Select); coding-DNA position 2137, C replaced by T.
Protein change: p.Gln713Ter; replaces glutamine 713 with a stop codon.
Molecular consequence: nonsense.
Genome position (GRCh38, 1-based): chr3:123,708,701, G>A on the plus strand (C>T on the coding strand, the complement: MYLK is on the minus strand). VCF-style: chr3-123708701-G-A. GRCh37 (hg19) VCF-style: chr3-123427548-G-A.
Other names: c.2137C>T (NM_053025.3); c.1609C>T, p.Gln537Ter (NM_001321309.2); c.1930C>T, p.Gln644Ter (NM_053026.4, NM_053028.4); c.2137C>T, p.Gln713Ter (NM_053027.4); short protein forms Q537*, Q644*, Q713*.
Identifiers: ClinVar variation 3905844 (VCV003905844.10).

ClinVar aggregate classification (germline): Conflicting classifications of pathogenicity. Review status: criteria provided, conflicting classifications (1 of 4 stars). 2 submissions from 2 submitters: Pathogenic (1); Uncertain significance (1). Last evaluated 2026-02-01.

Conditions:
Familial thoracic aortic aneurysm and aortic dissection (TAAD). Also called: Thoracic aortic aneurysms and dissections. Identifiers: Orphanet 91387, MedGen C4707243, MONDO:0019625.

Submissions (2):

CeGaT Center for Human Genetics Tuebingen
Classification: Pathogenic. Last evaluated: 2026-02-01. Review status: criteria provided, single submitter. Criteria: CeGaT Center For Human Genetics Tuebingen Variant Classification Criteria Version 2. Collection method: clinical testing. Allele origin: germline. Affected: yes. Observed: 3 variant alleles.
Comment: MYLK: PVS1, PM2

Ambry Genetics
Classification: Uncertain significance for Familial thoracic aortic aneurysm and aortic dissection. Last evaluated: 2025-04-07. Review status: criteria provided, single submitter. Criteria: Ambry Variant Classification Scheme 2023. Collection method: clinical testing. Allele origin: germline.
Comment: The p.Q713* variant (also known as c.2137C>T), located in coding exon 12 of the MYLK gene, results from a C to T substitution at nucleotide position 2137. This changes the amino acid from a glutamine to a stop codon within coding exon 12. This alteration is expected to result in loss of function due to an abnormal transcript, a translational frameshift leading to premature truncation, or nonsense-mediated mRNA decay. However, this alteration impacts only the long, nonmuscle MYLK isoform. While loss of function alterations that impact both the long and short MYLK isoforms have been reported in many patients with thoracic aortic aneurysms and dissections (TAAD), similar data is lacking for alterations that affect only the long isoform (Wallace SE et al. Genet Med 2019 01;21(1):144-151; Ambry internal data). Since supporting evidence is limited at this time, the clinical significance of this alteration remains unclear.